The following is an entry in ClinVar:

NM_018206.6(VPS35):c.*282_*283insAAAAAAA

Gene: VPS35 (VPS35 retromer complex component; minus strand). Cytogenetic location: 16q11.2.
Variant type: Insertion.
Coding change: c.*282_*283insAAAAAAA on transcript NM_018206.6 (MANE Select); 282 bases downstream of the stop codon through 283 bases downstream of the stop codon, AAAAAAA inserted.
Molecular consequence: 3 prime UTR variant.
Genome position: GRCh38 VCF-style: chr16-46660189-G-GTTTTTTT. GRCh37 (hg19) VCF-style: chr16-46694101-G-GTTTTTTT.
Identifiers: ClinVar variation 2646486 (VCV002646486.24), dbSNP rs369756092, ClinGen allele CA976954679.

ClinVar aggregate classification (germline): Benign (1 of 4 stars; one submission).

Submission:

CeGaT Center for Human Genetics Tuebingen
Classification: Benign. Last evaluated: 2022-08-01. Review status: criteria provided, single submitter. Criteria: CeGaT Center For Human Genetics Tuebingen Variant Classification Criteria Version 2. Collection method: clinical testing. Allele origin: germline. Affected: yes. Observed: 1 variant allele.
Comment: VPS35: BS1, BS2